The following is an entry in ClinVar:

ClinVar aggregate classification (germline): Likely pathogenic (1 of 4 stars; one submission).

Conditions:
Fanconi anemia (FA). Also called: Fanconi's anemia. Identifiers: Orphanet 84, MedGen C0015625, MeSH D005199, MONDO:0019391.

Submission:

Labcorp Genetics (formerly Invitae), Labcorp
Classification: Likely pathogenic for Fanconi anemia. Last evaluated: 2023-03-22. Review status: criteria provided, single submitter. Criteria: Invitae Variant Classification Sherloc (09022015). Collection method: clinical testing. Allele origin: germline.
Comment: This sequence change affects a donor splice site in intron 5 of the SLX4 gene. It is expected to disrupt RNA splicing. Variants that disrupt the donor or acceptor splice site typically lead to a loss of protein function (PMID: 16199547), and loss-of-function variants in SLX4 are known to be pathogenic (PMID: 21240277). This variant is not present in population databases (gnomAD no frequency). This variant has not been reported in the literature in individuals affected with SLX4-related conditions. Algorithms developed to predict the effect of sequence changes on RNA splicing suggest that this variant may disrupt the consensus splice site. In summary, the currently available evidence indicates that the variant is pathogenic, but additional data are needed to prove that conclusively. Therefore, this variant has been classified as Likely Pathogenic.

Literature cited by the submitters: PubMed 16199547; PubMed 21240277.

NM_032444.4(SLX4):c.1163+1G>A

Gene: SLX4 (SLX4 structure-specific endonuclease subunit; minus strand). Cytogenetic location: 16p13.3.
Variant type: single nucleotide variant.
Coding change: c.1163+1G>A on transcript NM_032444.4 (MANE Select); the canonical splice donor site of the intron after coding-DNA position 1163, G replaced by A.
Molecular consequence: splice donor variant.
Genome position (GRCh38, 1-based): chr16:3,600,978, C>T on the plus strand (G>A on the coding strand, the complement: SLX4 is on the minus strand). VCF-style: chr16-3600978-C-T. GRCh37 (hg19) VCF-style: chr16-3650979-C-T.
Identifiers: ClinVar variation 2848445 (VCV002848445.3), dbSNP rs2151133852, ClinGen allele CA394531237.
Genomic context (GRCh38, chr16:3,600,978, plus strand): 5'-AAAAAGCCCTGAGTGCACACAGCATTATTTGGCTTGGTTTTCTTCCTTTTCGTCGACTTA[C>T]CTGAACATGGGTGGGCTGCTGCTACCCTCAGGCTGTGCTGTCTGCAGCCGCACAGCCTGA-3'